The following is an entry in ClinVar:

ClinVar aggregate classification (germline): Likely pathogenic (1 of 4 stars; one submission).

Allele frequency attached by ClinVar (database versions not stated): gnomAD 0.00002; TOPMed below 0.00001.
gnomAD v4.1: 42 of 1,613,306 alleles (0.0026%); highest among the groups gnomAD compares: African/African-American, 0.004%; no homozygotes.

Submission:

Labcorp Genetics (formerly Invitae), Labcorp
Classification: Likely pathogenic. Last evaluated: 2025-03-17. Review status: criteria provided, single submitter. Criteria: Invitae Variant Classification Sherloc (09022015). Collection method: clinical testing. Allele origin: germline.
Comment: This sequence change affects a donor splice site in intron 9 of the PLOD3 gene. It is expected to disrupt RNA splicing. Variants that disrupt the donor or acceptor splice site typically lead to a loss of protein function (PMID: 16199547), and loss-of-function variants in PLOD3 are known to be pathogenic (PMID: 30237576). This variant is present in population databases (rs775566357, gnomAD 0.007%). This variant has not been reported in the literature in individuals affected with PLOD3-related conditions. ClinVar contains an entry for this variant (Variation ID: 2897011). Algorithms developed to predict the effect of sequence changes on RNA splicing suggest that this variant may disrupt the consensus splice site. In summary, the currently available evidence indicates that the variant is pathogenic, but additional data are needed to prove that conclusively. Therefore, this variant has been classified as Likely Pathogenic.

Literature cited by the submitters: PubMed 16199547; PubMed 30237576.

NM_001084.5(PLOD3):c.1005+1G>A

Gene: PLOD3 (procollagen-lysine,2-oxoglutarate 5-dioxygenase 3; minus strand). Cytogenetic location: 7q22.1.
Variant type: single nucleotide variant.
Coding change: c.1005+1G>A on transcript NM_001084.5 (MANE Select); the canonical splice donor site of the intron after coding-DNA position 1005, G replaced by A.
Molecular consequence: splice donor variant.
Genome position (GRCh38, 1-based): chr7:101,212,529, C>T on the plus strand (G>A on the coding strand, the complement: PLOD3 is on the minus strand). VCF-style: chr7-101212529-C-T. GRCh37 (hg19) VCF-style: chr7-100855810-C-T.
Identifiers: ClinVar variation 2897011 (VCV002897011.3), dbSNP rs775566357, ClinGen allele CA4407902.